The following is an entry in ClinVar:

NM_005460.4(SNCAIP):c.2131A>G (p.Met711Val)

Genes: SNCAIP (synuclein alpha interacting protein; plus strand), SNCAIP-AS3 (SNCAIP antisense RNA 3; minus strand). Cytogenetic location: 5q23.2.
Variant type: single nucleotide variant.
Coding change: c.2131A>G on transcript NM_005460.4 (MANE Select); coding-DNA position 2131, A replaced by G.
Protein change: p.Met711Val; replaces methionine 711 with valine.
Molecular consequence: missense variant. On other transcripts: non-coding transcript variant (2).
Genome position (GRCh38, 1-based): chr5:122,450,978, A>G. VCF-style: chr5-122450978-A-G. GRCh37 (hg19) VCF-style: chr5-121786673-A-G.
Other names: c.1033A>G, p.Met345Val (NM_001242935.3, NM_001308107.2); c.2272A>G, p.Met758Val (NM_001308100.2); c.1951A>G, p.Met651Val (NM_001308105.1); c.1027A>G, p.Met343Val (NM_001308106.1); c.1213A>G, p.Met405Val (NM_001308108.1); c.919A>G, p.Met307Val (NM_001308109.2); short protein forms M711V, M651V, M758V, M343V, M307V, M345V, M405V.
Identifiers: ClinVar variation 350499 (VCV000350499.9), dbSNP rs139256839, ClinGen allele CA3385034.

ClinVar aggregate classification (germline): Benign. Review status: criteria provided, multiple submitters, no conflicts (2 of 4 stars). 2 submissions from 2 submitters: Benign (2). Last evaluated 2019-12-31.

Conditions:
Parkinson Disease, Dominant/Recessive.

Allele frequency attached by ClinVar (database versions not stated): gnomAD exomes 0.00062 and 0.00145; ExAC 0.00169; 1000 Genomes Project 0.00519; gnomAD 0.00567 and 0.00595; 1000 Genomes Project 30x 0.00578; TOPMed 0.00656; ESP Exome Variant Server 0.00738.
gnomAD v4.1: 1,826 of 1,614,130 alleles (0.11%); highest among the groups gnomAD compares: African/African-American, 2.1%; 20 homozygotes.

Submissions (2):

Labcorp Genetics (formerly Invitae), Labcorp
Classification: Benign. Last evaluated: 2019-12-31. Review status: criteria provided, single submitter. Criteria: Invitae Variant Classification Sherloc (09022015). Collection method: clinical testing. Allele origin: germline.

Illumina Laboratory Services, Illumina
Classification: Benign for Parkinson Disease, Dominant/Recessive. Last evaluated: 2018-01-13. Review status: criteria provided, single submitter. Criteria: ICSL Variant Classification Criteria 13 December 2019. Collection method: clinical testing. Allele origin: germline.
Comment: This variant was observed in the ICSL laboratory as part of a predisposition screen in an ostensibly healthy population. It had not been previously curated by ICSL or reported in the Human Gene Mutation Database (HGMD: prior to June 1st, 2018), and was therefore a candidate for classification through an automated scoring system. Utilizing variant allele frequency, disease prevalence and penetrance estimates, and inheritance mode, an automated score was calculated to assess if this variant is too frequent to cause the disease. Based on the score and internal cut-off values, a variant classified as benign is not then subjected to further curation. The score for this variant resulted in a classification of benign for this disease.